The following is an entry in ClinVar:

ClinVar aggregate classification (germline): Uncertain significance (1 of 4 stars; one submission).

Conditions:
Hereditary cancer-predisposing syndrome. Also called: Neoplastic Syndromes, Hereditary; Tumor predisposition; Hereditary Cancer Syndrome; Hereditary neoplastic syndrome. Identifiers: Orphanet 140162, MedGen C0027672, MeSH D009386, MONDO:0015356.

Submission:

Ambry Genetics
Classification: Uncertain significance for Hereditary cancer-predisposing syndrome. Last evaluated: 2024-06-03. Review status: criteria provided, single submitter. Criteria: Ambry Variant Classification Scheme 2023. Collection method: clinical testing. Allele origin: germline.
Comment: The c.-3G>C variant is located in the 5' untranslated region (5&rsquo; UTR) of the NTHL1 gene. This variant results from a G to C substitution 3 bases upstream from the first translated codon. This nucleotide position is well conserved in available vertebrate species. Based on the available evidence, the clinical significance of this variant remains unclear.

NM_002528.5(NTHL1):c.-3G>C

Genes: NTHL1 (nth like DNA glycosylase 1; minus strand), LOC130058209 (ATAC-STARR-seq lymphoblastoid active region 10253; plus strand). Cytogenetic location: 16p13.3.
Variant type: single nucleotide variant.
Coding change: c.-3G>C on transcript NM_002528.5; 3 bases upstream of the start codon, G replaced by C.
Genome position (GRCh38, 1-based): chr16:2,047,850, C>G on the plus strand (G>C on the coding strand, the complement: NTHL1 is on the minus strand). VCF-style: chr16-2047850-C-G. GRCh37 (hg19) VCF-style: chr16-2097851-C-G.
Identifiers: ClinVar variation 3301268 (VCV003301268.1).